The following is an entry in ClinVar:

ClinVar aggregate classification (germline): Uncertain significance (1 of 4 stars; one submission).

Conditions:
POMC-related disorder. Also called: POMC-related condition; POMC-related disorders.

Submission:

PreventionGenetics, part of Exact Sciences
Classification: Uncertain significance for POMC-related condition. Last evaluated: 2024-11-08. Review status: criteria provided, single submitter. Criteria: ACMG Guidelines, 2015. Collection method: clinical testing. Allele origin: germline.
Comment: The POMC c.544G>A variant is predicted to result in the amino acid substitution p.Gly182Ser. This variant was observed in a cohort of individuals with obesity, and in vitro functional studies showed function similar to wild-type levels (Supplemental Data Set, Shah et al. 2023. PubMed ID: 36864747). This variant is reported in 0.0030% of alleles in individuals of Latino descent in gnomAD. At this time, the clinical significance of this variant is uncertain due to the absence of conclusive functional and genetic evidence.

NM_000939.4(POMC):c.544G>A (p.Gly182Ser)

Gene: POMC (proopiomelanocortin; minus strand). Cytogenetic location: 2p23.3.
Variant type: single nucleotide variant.
Coding change: c.544G>A on transcript NM_000939.4 (MANE Select); coding-DNA position 544, G replaced by A.
Protein change: p.Gly182Ser; replaces glycine 182 with serine.
Molecular consequence: missense variant.
Genome position (GRCh38, 1-based): chr2:25,161,341, C>T on the plus strand (G>A on the coding strand, the complement: POMC is on the minus strand). VCF-style: chr2-25161341-C-T. GRCh37 (hg19) VCF-style: chr2-25384210-C-T.
Other names: c.544G>A, p.Gly182Ser (NM_001035256.3, NM_001319204.2, NM_001319205.2); short protein forms G182S.
Identifiers: ClinVar variation 4980913 (VCV004980913.1).